The following is an entry in ClinVar:

ClinVar aggregate classification (germline): Likely benign. Review status: criteria provided, multiple submitters, no conflicts (2 of 4 stars). 2 submissions from 2 submitters: Likely benign (2). Last evaluated 2026-05-01.

Allele frequency attached by ClinVar (database versions not stated): gnomAD 0.00004 and 0.00006; ESP Exome Variant Server 0.00008; TOPMed 0.00009.
gnomAD v4.1: 327 of 1,613,686 alleles (0.02%); highest among the groups gnomAD compares: Non-Finnish European, 0.027%; no homozygotes.

Submissions (2):

CeGaT Center for Human Genetics Tuebingen
Classification: Likely benign. Last evaluated: 2026-05-01. Review status: criteria provided, single submitter. Criteria: CeGaT Center For Human Genetics Tuebingen Variant Classification Criteria Version 2. Collection method: clinical testing. Allele origin: germline. Affected: yes. Observed: 1 variant allele.
Comment: RHOBTB2: BP4, BP7

Labcorp Genetics (formerly Invitae), Labcorp
Classification: Likely benign. Last evaluated: 2024-10-15. Review status: criteria provided, single submitter. Criteria: Invitae Variant Classification Sherloc (09022015). Collection method: clinical testing. Allele origin: germline.

NM_015178.3(RHOBTB2):c.1536C>T (p.Ser512=)

Gene: RHOBTB2 (Rho related BTB domain containing 2; plus strand). Cytogenetic location: 8p21.3.
Variant type: single nucleotide variant.
Coding change: c.1536C>T on transcript NM_015178.3 (MANE Select); coding-DNA position 1536, C replaced by T.
Protein change: p.Ser512=; no amino-acid change (serine 512 retained).
Molecular consequence: synonymous variant.
Genome position (GRCh38, 1-based): chr8:23,008,027, C>T. VCF-style: chr8-23008027-C-T. GRCh37 (hg19) VCF-style: chr8-22865540-C-T.
Other names: c.1602C>T, p.Ser534= (NM_001160036.2); c.1557C>T, p.Ser519= (NM_001160037.2); c.1536C>T, p.Ser512= (NM_001374791.1).
Identifiers: ClinVar variation 1561006 (VCV001561006.10), dbSNP rs371059598, ClinGen allele CA4672690.